The following is an entry in ClinVar:

NM_001039141.3(TRIOBP):c.6160C>T (p.Arg2054Cys)

Gene: TRIOBP (TRIO and F-actin binding protein; plus strand). Cytogenetic location: 22q13.1.
Variant type: single nucleotide variant.
Coding change: c.6160C>T on transcript NM_001039141.3 (MANE Select); coding-DNA position 6160, C replaced by T.
Protein change: p.Arg2054Cys; replaces arginine 2054 with cysteine.
Molecular consequence: missense variant.
Genome position (GRCh38, 1-based): chr22:37,758,085, C>T. VCF-style: chr22-37758085-C-T. GRCh37 (hg19) VCF-style: chr22-38154092-C-T.
Other names: c.6160C>T (NM_001039141.2); c.1021C>T, p.Arg341Cys (NM_007032.5, NM_138632.2); short protein forms R341C, R2054C.
Identifiers: ClinVar variation 2182149 (VCV002182149.5), dbSNP rs56404461, ClinGen allele CA10224885.
Genomic context (GRCh38, chr22:37,758,085, plus strand): 5'-GAGAAGCTGCCCCTGCGGGAGAATAAGCGGGTGCCCCTCACTGCCCTGCTCAACCAAAGC[C>T]GCGGAGAGCGCCGAGGGCCCCCAAGTGACGGCCACGAGGCACTGGAGAAGGAGGTAGGCA-3'
Protein context (NP_001034230.1, residues 2044-2064): VPLTALLNQS[Arg2054Cys]GERRGPPSDG

ClinVar aggregate classification (germline): Uncertain significance. Review status: criteria provided, multiple submitters, no conflicts (2 of 4 stars). 2 submissions from 2 submitters: Uncertain significance (2). Last evaluated 2024-10-03.

Conditions:
Inborn genetic diseases. Identifiers: MedGen C0950123, MeSH D030342.

Allele frequency attached by ClinVar (database versions not stated): TOPMed 0.00001; gnomAD 0.00002; gnomAD exomes 0.00002; ExAC 0.00004.
gnomAD v4.1: 27 of 1,611,378 alleles (0.0017%); highest among the groups gnomAD compares: Non-Finnish European, 0.0019%; no homozygotes.

Submissions (2):

Ambry Genetics
Classification: Uncertain significance for Inborn genetic diseases. Last evaluated: 2024-10-03. Review status: criteria provided, single submitter. Criteria: Ambry Variant Classification Scheme 2023. Collection method: clinical testing. Allele origin: germline.

Labcorp Genetics (formerly Invitae), Labcorp
Classification: Uncertain significance. Last evaluated: 2023-10-03. Review status: criteria provided, single submitter. Criteria: Invitae Variant Classification Sherloc (09022015). Collection method: clinical testing. Allele origin: germline.
Comment: This sequence change replaces arginine, which is basic and polar, with cysteine, which is neutral and slightly polar, at codon 2054 of the TRIOBP protein (p.Arg2054Cys). This variant is present in population databases (rs56404461, gnomAD 0.006%). This variant has not been reported in the literature in individuals affected with TRIOBP-related conditions. ClinVar contains an entry for this variant (Variation ID: 2182149). Algorithms developed to predict the effect of missense changes on protein structure and function output the following: SIFT: "Not Available"; PolyPhen-2: "Benign"; Align-GVGD: "Not Available". The cysteine amino acid residue is found in multiple mammalian species, which suggests that this missense change does not adversely affect protein function. In summary, the available evidence is currently insufficient to determine the role of this variant in disease. Therefore, it has been classified as a Variant of Uncertain Significance.